The following is an entry in ClinVar:

NM_015978.3(TNNI3K):c.979G>A (p.Asp327Asn)

Genes: FPGT-TNNI3K (FPGT-TNNI3K readthrough; plus strand), TNNI3K (TNNI3 interacting kinase; plus strand). Cytogenetic location: 1p31.1.
Variant type: single nucleotide variant.
Coding change: c.979G>A on transcript NM_015978.3 (MANE Select); coding-DNA position 979, G replaced by A.
Protein change: p.Asp327Asn; replaces aspartic acid 327 with asparagine.
Molecular consequence: missense variant.
Genome position (GRCh38, 1-based): chr1:74,353,312, G>A. VCF-style: chr1-74353312-G-A. GRCh37 (hg19) VCF-style: chr1-74818996-G-A.
Other names: c.1282G>A, p.Asp428Asn (NM_001112808.3, NM_001199327.2); short protein forms D327N, D428N.
Identifiers: ClinVar variation 4707068 (VCV004707068.1).
Genomic context (GRCh38, chr1:74,353,312, plus strand): 5'-GTTTTTTTTTTCAGTGCTTGTACCTATGGCAAGAGCATTGACCTAGTCAAATTTCTTCTT[G>A]ATCAGAATGTCATAAACATCAACCACCAAGGAAGGGATGGGCACACTGGTAAGACTGTGG-3'
Protein context (NP_057062.1, residues 317-337): KSIDLVKFLL[Asp327Asn]QNVININHQG

ClinVar aggregate classification (germline): Uncertain significance (1 of 4 stars; one submission).

gnomAD v4.1: 41 of 1,613,200 alleles (0.0025%); highest among the groups gnomAD compares: South Asian, 0.042%; no homozygotes.

Submission:

Labcorp Genetics (formerly Invitae), Labcorp
Classification: Uncertain significance. Last evaluated: 2025-04-23. Review status: criteria provided, single submitter. Criteria: Invitae Variant Classification Sherloc (09022015). Collection method: clinical testing. Allele origin: germline.
Comment: This sequence change replaces aspartic acid, which is acidic and polar, with asparagine, which is neutral and polar, at codon 327 of the TNNI3K protein (p.Asp327Asn). This variant is present in population databases (rs567450408, gnomAD 0.05%), and has an allele count higher than expected for a pathogenic variant. This variant has not been reported in the literature in individuals affected with TNNI3K-related conditions. Invitae Evidence Modeling of protein sequence and biophysical properties (such as structural, functional, and spatial information, amino acid conservation, physicochemical variation, residue mobility, and thermodynamic stability) indicates that this missense variant is not expected to disrupt TNNI3K protein function with a negative predictive value of 80%. In summary, the available evidence is currently insufficient to determine the role of this variant in disease. Therefore, it has been classified as a Variant of Uncertain Significance.